The following is an entry in ClinVar:

NM_001482.3(GATM):c.669T>C (p.Tyr223=)

Gene: GATM (glycine amidinotransferase; minus strand). Cytogenetic location: 15q21.1.
Variant type: single nucleotide variant.
Coding change: c.669T>C on transcript NM_001482.3 (MANE Select); coding-DNA position 669, T replaced by C.
Protein change: p.Tyr223=; no amino-acid change (tyrosine 223 retained).
Molecular consequence: synonymous variant.
Genome position (GRCh38, 1-based): chr15:45,368,076, A>G on the plus strand (T>C on the coding strand, the complement: GATM is on the minus strand). VCF-style: chr15-45368076-A-G. GRCh37 (hg19) VCF-style: chr15-45660274-A-G.
Other names: p.Y223Y:TAT>TAC; NM_001482.3(GATM):c.669T>C; p.Tyr223=; c.282T>C, p.Tyr94= (NM_001321015.2).
Identifiers: ClinVar variation 137449 (VCV000137449.26), dbSNP rs151231277, ClinGen allele CA291037.
Genomic context (GRCh38, chr15:45,368,076, plus strand): 5'-TTGTGGATCATTTAGAAAAGTTAGTAATAAGCTAGCCTATAATTAGGGACTCACCTGGTT[A>G]TAAAGCTCATCAGCCATTGTGGGCTTAGGAGCTGTTGTCCACTTGGCGCCACGGTGGAAG-3'
Protein context (NP_001473.1, residues 213-233): APKPTMADEL[Tyr223=]NQDYPIHSVE

ClinVar aggregate classification (germline): Benign. Review status: reviewed by expert panel (3 of 4 stars). 11 submissions from 11 submitters: Benign (1). 10 of the submissions do not count toward it. Last evaluated 2023-01-25.

Conditions:
GATM-related disorder. Also called: GATM-related condition.
Inborn genetic diseases. Identifiers: MedGen C0950123, MeSH D030342.
Arginine:glycine amidinotransferase deficiency (CCDS3). Also called: L-Arginine:Glycine Amidinotransferase Deficiency; L-Arginine:Glycine Amidinotransferase (AGAT) Deficiency; Creatine deficiency syndrome due to AGAT deficiency; GATM deficiency; AGAT deficiency; Cerebral creatine deficiency syndrome 3. Identifiers: Orphanet 35704, MedGen C2675179, MONDO:0012996, OMIM 612718.

Allele frequency attached by ClinVar (database versions not stated): gnomAD exomes 0.00023 and 0.00041; ExAC 0.00051; gnomAD 0.00160 and 0.00163; ESP Exome Variant Server 0.00177; TOPMed 0.00180; 1000 Genomes Project 30x 0.00437; 1000 Genomes Project 0.00499.
gnomAD v4.1: 623 of 1,614,020 alleles (0.039%); highest among the groups gnomAD compares: African/African-American, 0.67%; 5 homozygotes.

Submissions (11):

ClinGen Cerebral Creatine Deficiency Syndromes Variant Curation Expert Panel, ClinGen
Classification: Benign for Arginine:glycine amidinotransferase deficiency. Last evaluated: 2023-01-25. Review status: reviewed by expert panel. Criteria: ClinGen_CCDS_ACMG_Specifications_GATM_v1.1. Collection method: curation. Allele origin: germline. Inheritance: Autosomal recessive inheritance.
Comment: The NM_001482.3:c.669T>C (p.Tyr223=) variant in GATM is a synonymous (silent) variant that is not predicted by SpliceAI to impact splicing. In addition, it occurs at a nucleotide that is not conserved as shown by PhyloP (BP7). The highest population minor allele frequency in gnomAD v2.1.1 is 0.00501 (125/24958 alleles) in the African population, which is higher than the ClinGen CCDS VCEP’s threshold for BA1 (>0.0005), and therefore meets this criterion (BA1). The computational splicing predictor SpliceAI gives a score of 0.0 for donor and acceptor loss suggesting that the variant has no impact on splicing (BP4). There is a ClinVar entry for this variant (Variation ID: 137449). In summary, this variant meets the criteria to be classified as benign for AGAT deficiency based on the ACMG/AMP criteria applied, as specified by the ClinGen Cerebral Creatine Deficiency Syndromes Variant Curation Expert Panel (Specifications Version 1.1.0): BA1, BP4, BP7. (Classification approved by the ClinGen CCDS VCEP on January 25, 2023).

CeGaT Center for Human Genetics Tuebingen
Classification: Likely benign. Last evaluated: 2026-05-01. Review status: criteria provided, single submitter. Criteria: CeGaT Center For Human Genetics Tuebingen Variant Classification Criteria Version 2. Collection method: clinical testing. Allele origin: germline. Affected: yes. Observed: 1 variant allele. Not counted in ClinVar's aggregate classification.
Comment: GATM: BP4, BS1

Labcorp Genetics (formerly Invitae), Labcorp
Classification: Benign for Arginine:glycine amidinotransferase deficiency. Last evaluated: 2026-02-03. Review status: criteria provided, single submitter. Criteria: Invitae Variant Classification Sherloc (09022015). Collection method: clinical testing. Allele origin: germline. Not counted in ClinVar's aggregate classification.

Mayo Clinic Laboratories, Mayo Clinic
Classification: Benign. Last evaluated: 2025-04-21. Review status: criteria provided, single submitter. Criteria: ACMG Guidelines, 2015. Collection method: clinical testing. Allele origin: germline. Observed: 3 variant alleles. Not counted in ClinVar's aggregate classification.
Comment: BA1, BP4, BP7

Blueprint Genetics
Classification: Likely benign. Last evaluated: 2024-09-16. Review status: criteria provided, single submitter. Criteria: ACMG Guidelines, 2015. Collection method: clinical testing. Allele origin: germline. Not counted in ClinVar's aggregate classification.

Eurofins Ntd Llc (ga)
Classification: Uncertain significance. Last evaluated: 2018-03-12. Review status: criteria provided, single submitter. Criteria: EGL ClinVar v180209 classification definitions. Collection method: clinical testing. Allele origin: germline. Observed: 1 variant allele, 1 heterozygote. Not counted in ClinVar's aggregate classification.

Ambry Genetics
Classification: Benign for Inborn genetic diseases. Last evaluated: 2016-06-13. Review status: criteria provided, single submitter. Criteria: Ambry Variant Classification Scheme 2023. Collection method: clinical testing. Allele origin: germline. Not counted in ClinVar's aggregate classification.

GeneDx
Classification: Benign. Last evaluated: 2013-07-10. Review status: criteria provided, single submitter. Criteria: GeneDx Variant Classification (06012015). Collection method: clinical testing. Allele origin: germline. Affected: yes. Not counted in ClinVar's aggregate classification.
Comment: This variant is considered likely benign or benign based on one or more of the following criteria: it is a conservative change, it occurs at a poorly conserved position in the protein, it is predicted to be benign by multiple in silico algorithms, and/or has population frequency not consistent with disease.

PreventionGenetics, part of Exact Sciences
Classification: Benign for GATM-related condition. Last evaluated: 2024-04-05. Review status: no assertion criteria provided. Collection method: clinical testing. Allele origin: germline. Not counted in ClinVar's aggregate classification.
Comment: This variant is classified as benign based on ACMG/AMP sequence variant interpretation guidelines (Richards et al. 2015 PMID: 25741868, with internal and published modifications).

Clinical Genetics DNA and cytogenetics Diagnostics Lab, Erasmus MC, Erasmus Medical Center
Classification: Likely benign. Review status: no assertion criteria provided. Collection method: clinical testing. Allele origin: germline. Affected: yes. Study: VKGL Data-share Consensus. Not counted in ClinVar's aggregate classification.

Genome Diagnostics Laboratory, University Medical Center Utrecht
Classification: Likely benign. Review status: no assertion criteria provided. Collection method: clinical testing. Allele origin: germline. Affected: yes. Study: VKGL Data-share Consensus. Not counted in ClinVar's aggregate classification.